The following is an entry in ClinVar:

ClinVar aggregate classification (germline): Uncertain significance (1 of 4 stars; one submission).

Submission:

Labcorp Genetics (formerly Invitae), Labcorp
Classification: Uncertain significance. Last evaluated: 2025-02-03. Review status: criteria provided, single submitter. Criteria: Invitae Variant Classification Sherloc (09022015). Collection method: clinical testing. Allele origin: germline.
Comment: This sequence change replaces alanine, which is neutral and non-polar, with threonine, which is neutral and polar, at codon 227 of the SAMD9L protein (p.Ala227Thr). This variant is present in population databases (no rsID available, gnomAD 0.006%). This variant has not been reported in the literature in individuals affected with SAMD9L-related conditions. An algorithm developed to predict the effect of missense changes on protein structure and function (PolyPhen-2) suggests that this variant is likely to be disruptive. In summary, the available evidence is currently insufficient to determine the role of this variant in disease. Therefore, it has been classified as a Variant of Uncertain Significance.

NM_152703.5(SAMD9L):c.679G>A (p.Ala227Thr)

Gene: SAMD9L (sterile alpha motif domain containing 9 like; minus strand). Cytogenetic location: 7q21.2.
Variant type: single nucleotide variant.
Coding change: c.679G>A on transcript NM_152703.5 (MANE Select); coding-DNA position 679, G replaced by A.
Protein change: p.Ala227Thr; replaces alanine 227 with threonine.
Molecular consequence: missense variant.
Genome position (GRCh38, 1-based): chr7:93,135,293, C>T on the plus strand (G>A on the coding strand, the complement: SAMD9L is on the minus strand). VCF-style: chr7-93135293-C-T. GRCh37 (hg19) VCF-style: chr7-92764606-C-T.
Other names: c.679G>A, p.Ala227Thr (NM_001303496.3, NM_001303497.3, NM_001303498.3 and 5 more transcripts); short protein forms A227T.
Identifiers: ClinVar variation 3676988 (VCV003676988.2).